The following is an entry in ClinVar:

NM_001349253.2(SCN11A):c.2386del (p.Thr795_Val796insTer)

Gene: SCN11A (sodium voltage-gated channel alpha subunit 11; minus strand). Cytogenetic location: 3p22.2.
Variant type: Deletion.
Coding change: c.2386del on transcript NM_001349253.2 (MANE Select); coding-DNA position 2386, one base deleted (G; older notation c.2386delG).
Protein change: p.Thr795_Val796insTer.
Molecular consequence: nonsense.
Genome position (GRCh38, 1-based): chr3:38,896,862, C deleted on the plus strand (G on the coding strand, the reverse complement: SCN11A is on the minus strand); the first of 2 consecutive C bases (chr3:38,896,862-38,896,863); deleting either gives the same sequence. VCF-style (leftmost placement, unchanged base first): chr3-38896861-AC-A. GRCh37 (hg19) VCF-style: chr3-38938352-AC-A.
Other names: c.2386del, p.Thr795_Val796insTer (NM_014139.3).
Identifiers: ClinVar variation 3390051 (VCV003390051.14).

ClinVar aggregate classification (germline): Uncertain significance (1 of 4 stars; one submission).

Submission:

CeGaT Center for Human Genetics Tuebingen
Classification: Uncertain significance. Last evaluated: 2024-11-01. Review status: criteria provided, single submitter. Criteria: CeGaT Center For Human Genetics Tuebingen Variant Classification Criteria Version 2. Collection method: clinical testing. Allele origin: germline. Affected: yes. Observed: 1 variant allele.
Comment: SCN11A: PM2